The following is an entry in ClinVar:

ClinVar aggregate classification (germline): Pathogenic (0 of 4 stars; one submission).

Conditions:
ALG1-congenital disorder of glycosylation. Also called: CONGENITAL DISORDER OF GLYCOSYLATION, TYPE Ik; ALG1-CDG; CDG Ik. Identifiers: Orphanet 79327, MedGen C2931005, MONDO:0012052, OMIM 608540.

Submission:

Fulgent Genetics
Classification: Pathogenic for ALG1-congenital disorder of glycosylation. Review status: no assertion criteria provided. Collection method: clinical testing. Allele origin: unknown.
Comment: This variant has been detected in individual(s) who were sent for testing of Renasight - kidney gene panel.

GRCh37/hg19 16p13.3(chr16:5121789-5133778)

Gene: ALG1 (ALG1 chitobiosyldiphosphodolichol beta-mannosyltransferase; plus strand). Cytogenetic location: 16p13.3.
Variant type: copy number loss.
Identifiers: ClinVar variation 1179164 (VCV001179164.2).